The following is an entry in ClinVar:

NM_001368067.1(LDB3):c.380T>C (p.Leu127Pro)

Genes: LDB3 (LIM domain binding 3; plus strand), LOC110121486 (VISTA enhancer hs2143; plus strand). Cytogenetic location: 10q23.2.
Variant type: single nucleotide variant.
Coding change: c.380T>C on transcript NM_001368067.1 (MANE Plus Clinical); coding-DNA position 380, T replaced by C.
Protein change: p.Leu127Pro; replaces leucine 127 with proline.
Molecular consequence: missense variant. On other transcripts: intron variant (5).
Genome position (GRCh38, 1-based): chr10:86,687,104, T>C. VCF-style: chr10-86687104-T-C. GRCh37 (hg19) VCF-style: chr10-88446861-T-C.
Other names: c.380T>C, p.Leu127Pro (NM_001080114.2, NM_001080116.1, NM_001368066.1 and 1 more transcripts); c.725T>C, p.Leu242Pro (NM_001171610.2, NM_001171611.2); c.690-4792T>C (NM_001368064.1, NM_001368063.1, NM_007078.3 and 2 more transcripts); short protein forms L127P, L242P.
Identifiers: ClinVar variation 3663949 (VCV003663949.2).

ClinVar aggregate classification (germline): Uncertain significance (1 of 4 stars; one submission).

Conditions:
Myofibrillar myopathy 4. Also called: Zaspopathy (type). Identifiers: Orphanet 98912, MedGen C4721886, MONDO:0012277, OMIM 609452.

gnomAD v4.1: 1 of 1,614,102 alleles (0.000062%); highest among the groups gnomAD compares: Non-Finnish European, 0.000085%; no homozygotes.

Submission:

Labcorp Genetics (formerly Invitae), Labcorp
Classification: Uncertain significance for Myofibrillar myopathy 4. Last evaluated: 2024-08-29. Review status: criteria provided, single submitter. Criteria: Invitae Variant Classification Sherloc (09022015). Collection method: clinical testing. Allele origin: germline.
Comment: This sequence change replaces leucine, which is neutral and non-polar, with proline, which is neutral and non-polar, at codon 127 of the LDB3 protein (p.Leu127Pro). This variant is not present in population databases (gnomAD no frequency). This variant has not been reported in the literature in individuals affected with LDB3-related conditions. An algorithm developed to predict the effect of missense changes on protein structure and function (PolyPhen-2) suggests that this variant is likely to be tolerated. In summary, the available evidence is currently insufficient to determine the role of this variant in disease. Therefore, it has been classified as a Variant of Uncertain Significance.